The following is an entry in ClinVar:

ClinVar aggregate classification (germline): Uncertain significance. Review status: criteria provided, multiple submitters, no conflicts (2 of 4 stars). 6 submissions from 6 submitters: Uncertain significance (2). 4 of the submissions do not count toward it. Last evaluated 2025-01-06.

Allele frequency attached by ClinVar (database versions not stated): gnomAD exomes 0.00001; TOPMed 0.00001.

Submissions (6):

Labcorp Genetics (formerly Invitae), Labcorp
Classification: Uncertain significance. Last evaluated: 2025-01-06. Review status: criteria provided, single submitter. Criteria: Invitae Variant Classification Sherloc (09022015). Collection method: clinical testing. Allele origin: germline.
Comment: This sequence change replaces glutamic acid, which is acidic and polar, with lysine, which is basic and polar, at codon 1145 of the BRWD3 protein (p.Glu1145Lys). This variant is present in population databases (no rsID available, gnomAD 0.002%), including at least one homozygous and/or hemizygous individual. This variant has not been reported in the literature in individuals affected with BRWD3-related conditions. ClinVar contains an entry for this variant (Variation ID: 426141). Invitae Evidence Modeling of protein sequence and biophysical properties (such as structural, functional, and spatial information, amino acid conservation, physicochemical variation, residue mobility, and thermodynamic stability) indicates that this missense variant is not expected to disrupt BRWD3 protein function with a negative predictive value of 80%. In summary, the available evidence is currently insufficient to determine the role of this variant in disease. Therefore, it has been classified as a Variant of Uncertain Significance.

GeneDx
Classification: Uncertain significance. Last evaluated: 2017-05-01. Review status: criteria provided, single submitter. Criteria: GeneDx Variant Classification (06012015). Collection method: clinical testing. Allele origin: germline. Affected: yes.
Comment: The E1145K variant in the BRWD3 gene has not been reported previously as a pathogenic variant, nor as a benign variant, to our knowledge. The E1145K variant is not observed in large population cohorts (Lek et al., 2016; 1000 Genomes Consortium et al., 2015; Exome Variant Server). The E1145K variant is a non-conservative amino acid substitution, which is likely to impact secondary protein structure as these residues differ in polarity, charge, size and/or other properties. This substitution occurs at a position that is conserved across species. In silico analysis predicts this variant is probably damaging to the protein structure/function. We interpret E1145K as a variant of uncertain significance.

Clinical Genetics DNA and cytogenetics Diagnostics Lab, Erasmus MC, Erasmus Medical Center
Classification: Uncertain significance. Review status: no assertion criteria provided. Collection method: clinical testing. Allele origin: germline. Affected: yes. Study: VKGL Data-share Consensus. Not counted in ClinVar's aggregate classification.

Diagnostic Laboratory, Department of Genetics, University Medical Center Groningen
Classification: Uncertain significance. Review status: no assertion criteria provided. Collection method: clinical testing. Allele origin: germline. Affected: yes. Study: VKGL Data-share Consensus. Not counted in ClinVar's aggregate classification.

Genome Diagnostics Laboratory, Amsterdam University Medical Center
Classification: Uncertain significance. Review status: no assertion criteria provided. Collection method: clinical testing. Allele origin: germline. Affected: yes. Study: VKGL Data-share Consensus. Not counted in ClinVar's aggregate classification.

Laboratory of Diagnostic Genome Analysis, Leiden University Medical Center (LUMC)
Classification: Uncertain significance. Review status: no assertion criteria provided. Collection method: clinical testing. Allele origin: germline. Affected: yes. Study: VKGL Data-share Consensus. Not counted in ClinVar's aggregate classification.

NM_153252.5(BRWD3):c.3433G>A (p.Glu1145Lys)

Gene: BRWD3 (bromodomain and WD repeat domain containing 3; minus strand). Cytogenetic location: Xq21.1.
Variant type: single nucleotide variant.
Coding change: c.3433G>A on transcript NM_153252.5 (MANE Select); coding-DNA position 3433, G replaced by A.
Protein change: p.Glu1145Lys; replaces glutamic acid 1145 with lysine.
Molecular consequence: missense variant.
Genome position (GRCh38, 1-based): chrX:80,691,871, C>T on the plus strand (G>A on the coding strand, the complement: BRWD3 is on the minus strand). VCF-style: chrX-80691871-C-T. GRCh37 (hg19) VCF-style: chrX-79947370-C-T.
Other names: short protein forms E1145K.
Identifiers: ClinVar variation 426141 (VCV000426141.10), dbSNP rs1085307469, ClinGen allele CA413617732.